The following is an entry in ClinVar:

NM_004453.4(ETFDH):c.164A>G (p.Lys55Arg)

Gene: ETFDH (electron transfer flavoprotein dehydrogenase; plus strand). Cytogenetic location: 4q32.1.
Variant type: single nucleotide variant.
Coding change: c.164A>G on transcript NM_004453.4 (MANE Select); coding-DNA position 164, A replaced by G.
Protein change: p.Lys55Arg; replaces lysine 55 with arginine.
Molecular consequence: missense variant. On other transcripts: intron variant (1).
Genome position (GRCh38, 1-based): chr4:158,680,596, A>G. VCF-style: chr4-158680596-A-G. GRCh37 (hg19) VCF-style: chr4-159601748-A-G.
Other names: c.35-1599A>G (NM_001281737.2); short protein forms K55R.
Identifiers: ClinVar variation 1990920 (VCV001990920.4), dbSNP rs1773829244, ClinGen allele CA358573568.
Genomic context (GRCh38, chr4:158,680,596, plus strand): 5'-CAACTTCTACTGTGCCTCGAATTACTACCCATTATACTATTTATCCCCGGGATAAGGACA[A>G]GAGATGGGAAGGTAAGTAATAATTTGTGTACAATTCCTGAGACTTTTCTGGATACTTTGT-3'
Protein context (NP_004444.2, residues 45-65): HYTIYPRDKD[Lys55Arg]RWEGVNMERF

ClinVar aggregate classification (germline): Uncertain significance (1 of 4 stars; one submission).

Conditions:
Multiple acyl-CoA dehydrogenase deficiency (MADD). Also called: ETHYLMALONIC-ADIPICACIDURIA; GA II; Glutaric aciduria, type 2; Glutaric acidemia type II; GA 2; Glutaric Acidemia type 2. Identifiers: Orphanet 26791, MedGen C0268596, MONDO:0009282, OMIM 231680.

Submission:

Labcorp Genetics (formerly Invitae), Labcorp
Classification: Uncertain significance for Multiple acyl-CoA dehydrogenase deficiency. Last evaluated: 2022-03-12. Review status: criteria provided, single submitter. Criteria: Invitae Variant Classification Sherloc (09022015). Collection method: clinical testing. Allele origin: germline.
Comment: In summary, the available evidence is currently insufficient to determine the role of this variant in disease. Therefore, it has been classified as a Variant of Uncertain Significance. This sequence change replaces lysine, which is basic and polar, with arginine, which is basic and polar, at codon 55 of the ETFDH protein (p.Lys55Arg). Advanced modeling of protein sequence and biophysical properties (such as structural, functional, and spatial information, amino acid conservation, physicochemical variation, residue mobility, and thermodynamic stability) performed at Invitae indicates that this missense variant is not expected to disrupt ETFDH protein function. This variant has not been reported in the literature in individuals affected with ETFDH-related conditions. This variant is not present in population databases (gnomAD no frequency).